The following is an entry in ClinVar:

ClinVar aggregate classification (germline): Uncertain significance (1 of 4 stars; one submission).

Allele frequency attached by ClinVar (database versions not stated): gnomAD exomes 0.00001 and 0.00002; ExAC 0.00003; gnomAD 0.00003; 1000 Genomes Project 30x 0.00078; 1000 Genomes Project 0.00080.
gnomAD v4.1: 18 of 1,613,284 alleles (0.0011%); highest among the groups gnomAD compares: South Asian, 0.014%; no homozygotes.

Submission:

Labcorp Genetics (formerly Invitae), Labcorp
Classification: Uncertain significance. Last evaluated: 2022-05-17. Review status: criteria provided, single submitter. Criteria: Invitae Variant Classification Sherloc (09022015). Collection method: clinical testing. Allele origin: germline.
Comment: This variant is present in population databases (rs184719396, gnomAD 0.01%). In summary, the available evidence is currently insufficient to determine the role of this variant in disease. Therefore, it has been classified as a Variant of Uncertain Significance. Algorithms developed to predict the effect of sequence changes on RNA splicing suggest that this variant may create or strengthen a splice site. Algorithms developed to predict the effect of missense changes on protein structure and function are either unavailable or do not agree on the potential impact of this missense change (SIFT: "Deleterious"; PolyPhen-2: "Probably Damaging"; Align-GVGD: "Class C0"). This variant has not been reported in the literature in individuals affected with AEBP1-related conditions. This sequence change replaces glutamic acid, which is acidic and polar, with lysine, which is basic and polar, at codon 674 of the AEBP1 protein (p.Glu674Lys).

NM_001129.5(AEBP1):c.2020G>A (p.Glu674Lys)

Gene: AEBP1 (AE binding protein 1; plus strand). Cytogenetic location: 7p13.
Variant type: single nucleotide variant.
Coding change: c.2020G>A on transcript NM_001129.5 (MANE Select); coding-DNA position 2020, G replaced by A.
Protein change: p.Glu674Lys; replaces glutamic acid 674 with lysine.
Molecular consequence: missense variant.
Genome position (GRCh38, 1-based): chr7:44,112,033, G>A. VCF-style: chr7-44112033-G-A. GRCh37 (hg19) VCF-style: chr7-44151632-G-A.
Other names: short protein forms E674K.
Identifiers: ClinVar variation 1518571 (VCV001518571.6), dbSNP rs184719396, ClinGen allele CA4238076.